The following is an entry in ClinVar:

ClinVar aggregate classification (germline): Likely benign (1 of 4 stars; one submission).

Conditions:
PPARG-related disorder. Also called: PPARG-related disorders; PPARG-related condition.

gnomAD v4.1: 4 of 1,613,860 alleles (0.00025%); highest among the groups gnomAD compares: Middle Eastern, 0.016%; no homozygotes.

Submission:

PreventionGenetics, part of Exact Sciences
Classification: Likely benign for PPARG-related condition. Last evaluated: 2026-06-30. Review status: criteria provided, single submitter. Criteria: ACMG Guidelines, 2015. Collection method: clinical testing. Allele origin: germline.
Comment: This variant is classified as likely benign based on ACMG/AMP sequence variant interpretation guidelines (Richards et al. 2015 PMID: 25741868, with internal and published modifications).

NM_138711.6(PPARG):c.111T>C (p.Thr37=)

Gene: PPARG (peroxisome proliferator activated receptor gamma; plus strand). Cytogenetic location: 3p25.2.
Variant type: single nucleotide variant.
Coding change: c.111T>C on transcript NM_138711.6 (MANE Select); coding-DNA position 111, T replaced by C.
Protein change: p.Thr37=; no amino-acid change (threonine 37 retained).
Molecular consequence: synonymous variant. On other transcripts: 5 prime UTR variant (1).
Genome position (GRCh38, 1-based): chr3:12,379,822, T>C. VCF-style: chr3-12379822-T-C. GRCh37 (hg19) VCF-style: chr3-12421321-T-C.
Other names: c.111T>C, p.Thr37= (NM_001330615.4, NM_001354666.3, NM_001354667.3 and 6 more transcripts); c.201T>C, p.Thr67= (NM_001354668.2, NM_001374265.1, NM_015869.5); c.-317T>C (NM_001354669.2); c.117T>C, p.Thr39= (NM_001354670.2, NM_001374266.1).
Identifiers: ClinVar variation 4996574 (VCV004996574.1).